The following is an entry in ClinVar:

ClinVar aggregate classification (germline): Likely benign (1 of 4 stars; one submission).

Submission:

CeGaT Center for Human Genetics Tuebingen
Classification: Likely benign. Last evaluated: 2024-12-01. Review status: criteria provided, single submitter. Criteria: CeGaT Center For Human Genetics Tuebingen Variant Classification Criteria Version 2. Collection method: clinical testing. Allele origin: germline. Affected: yes. Observed: 1 variant allele.
Comment: ABCB7: BS2

NM_001271696.3(ABCB7):c.19C>T (p.His7Tyr)

Genes: ABCB7 (ATP binding cassette subfamily B member 7; minus strand), LOC130068449 (ATAC-STARR-seq lymphoblastoid active region 29770; plus strand). Cytogenetic location: Xq13.3.
Variant type: single nucleotide variant.
Coding change: c.19C>T on transcript NM_001271696.3 (MANE Select); coding-DNA position 19, C replaced by T.
Protein change: p.His7Tyr; replaces histidine 7 with tyrosine.
Molecular consequence: missense variant.
Genome position (GRCh38, 1-based): chrX:75,156,254, G>A on the plus strand (C>T on the coding strand, the complement: ABCB7 is on the minus strand). VCF-style: chrX-75156254-G-A. GRCh37 (hg19) VCF-style: chrX-74376089-G-A.
Other names: c.19C>T, p.His7Tyr (NM_001271697.3, NM_001271698.3, NM_001271699.3 and 1 more transcripts); short protein forms H7Y.
Identifiers: ClinVar variation 3388341 (VCV003388341.14).